The following is an entry in ClinVar:

NM_001025616.3(ARHGAP24):c.1448G>T (p.Arg483Leu)

Gene: ARHGAP24 (Rho GTPase activating protein 24; plus strand). Cytogenetic location: 4q21.23.
Variant type: single nucleotide variant.
Coding change: c.1448G>T on transcript NM_001025616.3 (MANE Select); coding-DNA position 1448, G replaced by T.
Protein change: p.Arg483Leu; replaces arginine 483 with leucine.
Molecular consequence: missense variant.
Genome position (GRCh38, 1-based): chr4:85,995,102, G>T. VCF-style: chr4-85995102-G-T. GRCh37 (hg19) VCF-style: chr4-86916255-G-T.
Other names: c.1163G>T, p.Arg388Leu (NM_001042669.2); c.1193G>T, p.Arg398Leu (NM_001287805.2); c.869G>T, p.Arg290Leu (NM_001346093.2); c.1169G>T, p.Arg390Leu (NM_031305.3); short protein forms R290L, R390L, R483L, R398L, R388L.
Identifiers: ClinVar variation 4704812 (VCV004704812.1).

ClinVar aggregate classification (germline): Uncertain significance (1 of 4 stars; one submission).

Submission:

Labcorp Genetics (formerly Invitae), Labcorp
Classification: Uncertain significance. Last evaluated: 2025-04-19. Review status: criteria provided, single submitter. Criteria: Invitae Variant Classification Sherloc (09022015). Collection method: clinical testing. Allele origin: germline.
Comment: This sequence change replaces arginine, which is basic and polar, with leucine, which is neutral and non-polar, at codon 483 of the ARHGAP24 protein (p.Arg483Leu). This variant is not present in population databases (gnomAD no frequency). This variant has not been reported in the literature in individuals affected with ARHGAP24-related conditions. An algorithm developed to predict the effect of missense changes on protein structure and function (PolyPhen-2) suggests that this variant is likely to be disruptive. In summary, the available evidence is currently insufficient to determine the role of this variant in disease. Therefore, it has been classified as a Variant of Uncertain Significance.